The following is an entry in ClinVar:

NM_032447.5(FBN3):c.6495G>A (p.Glu2165=)

Gene: FBN3 (fibrillin 3; minus strand). Cytogenetic location: 19p13.2.
Variant type: single nucleotide variant.
Coding change: c.6495G>A on transcript NM_032447.5 (MANE Select); coding-DNA position 6495, G replaced by A.
Protein change: p.Glu2165=; no amino-acid change (glutamic acid 2165 retained).
Molecular consequence: synonymous variant.
Genome position (GRCh38, 1-based): chr19:8,088,061, C>T on the plus strand (G>A on the coding strand, the complement: FBN3 is on the minus strand). VCF-style: chr19-8088061-C-T. GRCh37 (hg19) VCF-style: chr19-8152945-C-T.
Other names: c.6495G>A, p.Glu2165= (NM_001321431.2); c.6495G>A (NM_032447.3).
Identifiers: ClinVar variation 1936960 (VCV001936960.6), dbSNP rs2512637222, ClinGen allele CA505416869.
Genomic context (GRCh38, chr19:8,088,061, plus strand): 5'-ACTCCCTCCCCCAGGCATCTCCGTCACACGGCCCAGGTCCTGGGCAAGCAGAGTTGTACC[C>T]TCGCAGGTCATCATGAGGCCAGGCTCAAAGCCGTCAGCACAGGCACATTCGAAGCCTCCG-3'
Protein context (NP_115823.3, residues 2155-2175): GFEPGLMMTC[Glu2165=]DIDECSLNPL

ClinVar aggregate classification (germline): Conflicting classifications of pathogenicity. Review status: criteria provided, conflicting classifications (1 of 4 stars). 2 submissions from 2 submitters: Uncertain significance (1); Likely benign (1). Last evaluated 2024-02-13.

Allele frequency attached by ClinVar (database versions not stated): gnomAD exomes below 0.00001.
gnomAD v4.1: 1 of 1,614,130 alleles (0.000062%); highest among the groups gnomAD compares: South Asian, 0.0011%; no homozygotes.

Submissions (2):

Ambry Genetics
Classification: Likely benign. Last evaluated: 2024-02-13. Review status: criteria provided, single submitter. Criteria: Ambry Variant Classification Scheme 2023. Collection method: clinical testing. Allele origin: germline.

Labcorp Genetics (formerly Invitae), Labcorp
Classification: Uncertain significance. Last evaluated: 2022-07-14. Review status: criteria provided, single submitter. Criteria: Invitae Variant Classification Sherloc (09022015). Collection method: clinical testing. Allele origin: germline.
Comment: In summary, the available evidence is currently insufficient to determine the role of this variant in disease. Therefore, it has been classified as a Variant of Uncertain Significance. Algorithms developed to predict the effect of sequence changes on RNA splicing suggest that this variant may create or strengthen a splice site. This variant has not been reported in the literature in individuals affected with FBN3-related conditions. This variant is not present in population databases (gnomAD no frequency). This sequence change affects codon 2165 of the FBN3 mRNA. It is a 'silent' change, meaning that it does not change the encoded amino acid sequence of the FBN3 protein. It affects a nucleotide within the consensus splice site.